The following is an entry in ClinVar:

ClinVar aggregate classification (germline): Benign/Likely benign. Review status: criteria provided, multiple submitters, no conflicts (2 of 4 stars). 2 submissions from 2 submitters: Benign (1); Likely benign (1). Last evaluated 2026-09-01.

Allele frequency attached by ClinVar (database versions not stated): TOPMed 0.00003; gnomAD 0.00023; ExAC 0.00115; 1000 Genomes Project 0.00140; 1000 Genomes Project 30x 0.00141.
gnomAD v4.1: 691 of 1,614,008 alleles (0.043%); highest among the groups gnomAD compares: South Asian, 0.73%; 12 homozygotes.

Submissions (2):

CeGaT Center for Human Genetics Tuebingen
Classification: Likely benign. Last evaluated: 2026-09-01. Review status: criteria provided, single submitter. Criteria: CeGaT Center For Human Genetics Tuebingen Variant Classification Criteria Version 2. Collection method: clinical testing. Allele origin: germline. Affected: yes. Observed: 4 variant alleles.
Comment: KANK1: BP4

Labcorp Genetics (formerly Invitae), Labcorp
Classification: Benign. Last evaluated: 2025-10-15. Review status: criteria provided, single submitter. Criteria: Invitae Variant Classification Sherloc (09022015). Collection method: clinical testing. Allele origin: germline.

NM_015158.5(KANK1):c.1971G>A (p.Gln657=)

Gene: KANK1 (KN motif and ankyrin repeat domains 1; plus strand). Cytogenetic location: 9p24.3.
Variant type: single nucleotide variant.
Coding change: c.1971G>A on transcript NM_015158.5 (MANE Select); coding-DNA position 1971, G replaced by A.
Protein change: p.Gln657=; no amino-acid change (glutamine 657 retained).
Molecular consequence: synonymous variant. On other transcripts: non-coding transcript variant (1).
Genome position (GRCh38, 1-based): chr9:712,737, G>A. VCF-style: chr9-712737-G-A. GRCh37 (hg19) VCF-style: chr9-712737-G-A.
Other names: c.1971G>A, p.Gln657= (NM_001256876.3, NM_001256877.3, NM_001354331.2 and 2 more transcripts); c.1497G>A, p.Gln499= (NM_001354333.2, NM_001354335.2, NM_001354336.2 and 9 more transcripts).
Identifiers: ClinVar variation 2147667 (VCV002147667.17), dbSNP rs568996245, ClinGen allele CA4960381.